The following is an entry in ClinVar:

ClinVar aggregate classification (germline): Benign. Review status: criteria provided, multiple submitters, no conflicts (2 of 4 stars). 8 submissions from 8 submitters: Benign (6). 2 of the submissions do not count toward it. Last evaluated 2026-02-02.

Conditions:
Bardet-Biedl syndrome (BBS). Identifiers: Orphanet 110, MedGen C0752166, MONDO:0015229.
Bardet-Biedl syndrome 1 (BBS1). Identifiers: MedGen C2936862, MONDO:0008854, OMIM 209900. Disease mechanism: loss of function.
Bardet-Biedl syndrome 12 (BBS12). Identifiers: Orphanet 110, MedGen C1859570, MONDO:0014440, OMIM 615989.

Allele frequency attached by ClinVar (database versions not stated): gnomAD exomes 0.00249 and 0.00668; ExAC 0.00861; gnomAD 0.02611 and 0.02805; 1000 Genomes Project 0.02616; 1000 Genomes Project 30x 0.02904; TOPMed 0.02922; ESP Exome Variant Server 0.03145.

Submissions (8):

Labcorp Genetics (formerly Invitae), Labcorp
Classification: Benign for Bardet-Biedl syndrome. Last evaluated: 2026-02-02. Review status: criteria provided, single submitter. Criteria: Invitae Variant Classification Sherloc (09022015). Collection method: clinical testing. Allele origin: germline.

Illumina Laboratory Services, Illumina
Classification: Benign for Bardet-Biedl syndrome 12. Last evaluated: 2018-01-13. Review status: criteria provided, single submitter. Criteria: ICSL Variant Classification Criteria 13 December 2019. Collection method: clinical testing. Allele origin: germline.
Comment: This variant was observed in the ICSL laboratory as part of a predisposition screen in an ostensibly healthy population. It had not been previously curated by ICSL or reported in the Human Gene Mutation Database (HGMD: prior to June 1st, 2018), and was therefore a candidate for classification through an automated scoring system. Utilizing variant allele frequency, disease prevalence and penetrance estimates, and inheritance mode, an automated score was calculated to assess if this variant is too frequent to cause the disease. Based on the score and internal cut-off values, a variant classified as benign is not then subjected to further curation. The score for this variant resulted in a classification of benign for this disease.

Clinical Genetics DNA and cytogenetics Diagnostics Lab, Erasmus MC, Erasmus Medical Center
Classification: Benign for Bardet-Biedl syndrome 1. Last evaluated: 2015-09-21. Review status: criteria provided, single submitter. Criteria: ACGS Guidelines, 2013. Collection method: clinical testing. Allele origin: germline. Affected: yes. Study: VKGL Data-share Consensus.

Genome Diagnostics Laboratory, University Medical Center Utrecht
Classification: Benign for Bardet-Biedl syndrome 1. Last evaluated: 2014-10-09. Review status: criteria provided, single submitter. Criteria: ACGS Guidelines, 2013. Collection method: clinical testing. Allele origin: germline. Affected: yes. Study: VKGL Data-share Consensus.

Breakthrough Genomics
Classification: Benign. Review status: criteria provided, single submitter. Criteria: ACMG Guidelines, 2015. Collection method: not provided. Allele origin: germline. Inheritance: Autosomal recessive inheritance. Affected: yes.

PreventionGenetics, part of Exact Sciences
Classification: Benign. Review status: criteria provided, single submitter. Criteria: ACMG Guidelines, 2015. Collection method: clinical testing. Allele origin: germline.

Natera, Inc.
Classification: Benign for Bardet-Biedl syndrome type 12. Last evaluated: 2020-09-16. Review status: no assertion criteria provided. Collection method: clinical testing. Allele origin: germline. Not counted in ClinVar's aggregate classification.

NEI Ophthalmic Genomics Laboratory, National Institutes of Health
No classification provided. Review status: no classification provided. Collection method: not provided. Allele origin: not provided. Not counted in ClinVar's aggregate classification.

NM_152618.3(BBS12):c.1847G>A (p.Ser616Asn)

Gene: BBS12 (Bardet-Biedl syndrome 12; plus strand). Cytogenetic location: 4q27.
Variant type: single nucleotide variant.
Coding change: c.1847G>A on transcript NM_152618.3 (MANE Select); coding-DNA position 1847, G replaced by A.
Protein change: p.Ser616Asn; replaces serine 616 with asparagine.
Molecular consequence: missense variant.
Genome position (GRCh38, 1-based): chr4:122,743,739, G>A. VCF-style: chr4-122743739-G-A. GRCh37 (hg19) VCF-style: chr4-123664894-G-A.
Other names: c.1847G>A, p.Ser616Asn (NM_001178007.2); short protein forms S616N.
Identifiers: ClinVar variation 100565 (VCV000100565.21), dbSNP rs28507107, ClinGen allele CA228888.